The following is an entry in ClinVar:

NM_001142624.2(RAB34):c.69C>A (p.Pro23=)

Gene: RAB34 (RAB34, member RAS oncogene family; minus strand). Cytogenetic location: 17q11.2.
Variant type: single nucleotide variant.
Coding change: c.69C>A on transcript NM_001142624.2; coding-DNA position 69, C replaced by A.
Protein change: p.Pro23=; no amino-acid change (proline 23 retained).
Molecular consequence: synonymous variant.
Genome position (GRCh38, 1-based): chr17:28,718,199, G>T on the plus strand (C>A on the coding strand, the complement: RAB34 is on the minus strand). VCF-style: chr17-28718199-G-T. GRCh37 (hg19) VCF-style: chr17-27045217-G-T.
Other names: c.69C>A, p.Pro23= (NM_001142625.2, NM_001144943.1, NM_001256278.1).
Identifiers: ClinVar variation 2647601 (VCV002647601.22), dbSNP rs145137552, ClinGen allele CA8466273.

ClinVar aggregate classification (germline): Likely benign (1 of 4 stars; one submission).

Allele frequency attached by ClinVar (database versions not stated): 1000 Genomes Project 0.00020; 1000 Genomes Project 30x 0.00016; ExAC 0.00025; gnomAD 0.00021; TOPMed 0.00029.
gnomAD v4.1: 296 of 1,606,356 alleles (0.018%); highest among the groups gnomAD compares: Middle Eastern, 0.43%; 2 homozygotes.

Submission:

CeGaT Center for Human Genetics Tuebingen
Classification: Likely benign. Last evaluated: 2022-04-01. Review status: criteria provided, single submitter. Criteria: CeGaT Center For Human Genetics Tuebingen Variant Classification Criteria Version 2. Collection method: clinical testing. Allele origin: germline. Affected: yes. Observed: 1 variant allele.
Comment: RAB34: BP4, BP7